The following is an entry in ClinVar:

ClinVar aggregate classification (germline): Uncertain significance (1 of 4 stars; one submission).

Conditions:
UNC45B-related disorder. Also called: UNC45B-related condition.

Allele frequency attached by ClinVar (database versions not stated): ExAC 0.00001; gnomAD exomes 0.00001; TOPMed 0.00001.
gnomAD v4.1: 15 of 1,585,010 alleles (0.00095%); highest among the groups gnomAD compares: Non-Finnish European, 0.0013%; no homozygotes.

Submission:

PreventionGenetics, part of Exact Sciences
Classification: Uncertain significance for UNC45B-related condition. Last evaluated: 2022-11-21. Review status: criteria provided, single submitter. Criteria: ACMG Guidelines, 2015. Collection method: clinical testing. Allele origin: germline.
Comment: The UNC45B c.2507A>G variant is predicted to result in the amino acid substitution p.Lys836Arg. To our knowledge, this variant has not been reported in the literature. This variant is reported in 0.00095% of alleles in individuals of European (Non-Finnish) descent in gnomAD. At this time, the clinical significance of this variant is uncertain due to the absence of conclusive functional and genetic evidence.

NM_001267052.2(UNC45B):c.2501A>G (p.Lys834Arg)

Gene: UNC45B (unc-45 myosin chaperone B; plus strand). Cytogenetic location: 17q12.
Variant type: single nucleotide variant.
Coding change: c.2501A>G on transcript NM_001267052.2 (MANE Select); coding-DNA position 2501, A replaced by G.
Protein change: p.Lys834Arg; replaces lysine 834 with arginine.
Molecular consequence: missense variant.
Genome position (GRCh38, 1-based): chr17:35,183,554, A>G. VCF-style: chr17-35183554-A-G. GRCh37 (hg19) VCF-style: chr17-33510573-A-G.
Other names: c.2501A>G, p.Lys834Arg (NM_001033576.2); c.2264A>G, p.Lys755Arg (NM_001308281.1); c.2507A>G, p.Lys836Arg (NM_173167.3); short protein forms K755R, K834R, K836R.
Identifiers: ClinVar variation 2636963 (VCV002636963.1), dbSNP rs779399504, ClinGen allele CA8501549.
Genomic context (GRCh38, chr17:35,183,554, plus strand): 5'-ATGATGATAAGGTGCAGAATGCGGCTGCAGGGGCTCTGGCCATGCTGACAGCAGCACACA[A>G]GAAACTGTGCCTCAAGATGACTCAAGTGGTAAGAGCTGGCCCTGGGGATAGGACGGGCTG-3'
Protein context (NP_001253981.1, residues 824-844): GALAMLTAAH[Lys834Arg]KLCLKMTQVT